The following is an entry in ClinVar:

NM_000369.5(TSHR):c.1887G>C (p.Leu629Phe)

Genes: TSHR-AS1 (TSHR antisense RNA 1; minus strand), TSHR (thyroid stimulating hormone receptor; plus strand). Cytogenetic location: 14q31.1.
Variant type: single nucleotide variant.
Coding change: c.1887G>C on transcript NM_000369.5 (MANE Select); coding-DNA position 1887, G replaced by C.
Protein change: p.Leu629Phe; replaces leucine 629 with phenylalanine.
Molecular consequence: missense variant.
Genome position (GRCh38, 1-based): chr14:81,143,945, G>C. VCF-style: chr14-81143945-G-C. GRCh37 (hg19) VCF-style: chr14-81610289-G-C.
Other names: short protein forms L629F.
Identifiers: ClinVar variation 4855509 (VCV004855509.1).

ClinVar aggregate classification (germline): Likely pathogenic (1 of 4 stars; one submission).

Conditions:
Familial hyperthyroidism due to mutations in TSH receptor. Also called: HYPERTHYROIDISM, CONGENITAL NONAUTOIMMUNE; HYPERTHYROIDISM, NONAUTOIMMUNE, AUTOSOMAL DOMINANT; TOXIC THYROID HYPERPLASIA, AUTOSOMAL DOMINANT. Identifiers: Orphanet 424, MedGen C1836706, MONDO:0012203, OMIM 609152.

Submission:

3billion
Classification: Likely pathogenic for Familial hyperthyroidism due to mutations in TSH receptor. Last evaluated: 2025-12-26. Review status: criteria provided, single submitter. Criteria: ACMG Guidelines, 2015. Collection method: clinical testing. Allele origin: germline. Affected: yes.
Comment: The variant is not observed in the gnomAD v4.1.0 dataset. Predicted Consequence/Location: Missense variant Damaging effect on gene or gene product predicted by in silico programs is uncertain [REVEL: 0.46 (damaging >=0.6, benign <0.4), 3Cnet: 0.71 (damaging >0.75, benign <0.1)]. The different nucleotide change resulting in the same amino acid change has been previously reported to be associated with TSHR-related disorder(ClinVar ID: VCV000006451 /PMID: 9398746). The variant has been previously reported as assumed (i.e. paternity and maternity not confirmed) de novo in at least one similarly affected unrelated individual (PMID: 9398746). The variant has been reported to co-segregate with the disease in at least 3 similarly affected relatives/individuals in the same family or similarly affected unrelated families (3billion dataset). Therefore, this variant is classified as Likely pathogenic according to the recommendation of ACMG/AMP guideline.

Literature cited by the submitters: PubMed 9398746.